The following is an entry in ClinVar:

ClinVar aggregate classification (germline): Pathogenic (1 of 4 stars; one submission).

Conditions:
Neurofibromatosis, type 1 (NF1). Also called: Peripheral type neurofibromatosis; VON RECKLINGHAUSEN DISEASE; Neurofibromatosis, type I; NEUROFIBROMATOSIS, TYPE I, SOMATIC. Identifiers: Orphanet 636, MedGen C0027831, MONDO:0018975, OMIM 162200. Disease mechanism: loss of function.

Submission:

Labcorp Genetics (formerly Invitae), Labcorp
Classification: Pathogenic for Neurofibromatosis, type 1. Last evaluated: 2019-08-14. Review status: criteria provided, single submitter. Criteria: Invitae Variant Classification Sherloc (09022015). Collection method: clinical testing. Allele origin: germline.
Comment: This sequence change creates a premature translational stop signal (p.Phe934Cysfs*5) in the NF1 gene. It is expected to result in an absent or disrupted protein product. This variant is not present in population databases (ExAC no frequency). For these reasons, this variant has been classified as Pathogenic. Loss-of-function variants in NF1 are known to be pathogenic (PMID: 10712197, 23913538). This variant has not been reported in the literature in individuals with NF1-related conditions.

Literature cited by the submitters: PubMed 10712197; PubMed 23913538.

NM_001042492.3(NF1):c.2800_2801insGT (p.Phe934fs)

Gene: NF1 (neurofibromin 1; plus strand). Cytogenetic location: 17q11.2.
Variant type: Insertion.
Coding change: c.2800_2801insGT on transcript NM_001042492.3 (MANE Select); coding-DNA positions 2800 to 2801, GT inserted.
Protein change: p.Phe934fs; shifts the reading frame from phenylalanine 934.
Molecular consequence: frameshift variant.
Genome position: GRCh38 VCF-style: chr17-31229414-A-ATG. GRCh37 (hg19) VCF-style: chr17-29556432-A-ATG.
Other names: c.2800_2801insGT, p.Phe934Cysfs (NM_000267.4); short protein forms F934fs.
Identifiers: ClinVar variation 941112 (VCV000941112.6), dbSNP rs2067073865, ClinGen allele CA1139665438.